The following is an entry in ClinVar:

NM_033118.4(MYLK2):c.1646G>A (p.Arg549His)

Gene: MYLK2 (myosin light chain kinase 2; plus strand). Cytogenetic location: 20q11.21.
Variant type: single nucleotide variant.
Coding change: c.1646G>A on transcript NM_033118.4 (MANE Select); coding-DNA position 1646, G replaced by A.
Protein change: p.Arg549His; replaces arginine 549 with histidine.
Molecular consequence: missense variant.
Genome position (GRCh38, 1-based): chr20:31,832,072, G>A. VCF-style: chr20-31832072-G-A. GRCh37 (hg19) VCF-style: chr20-30419875-G-A.
Other names: short protein forms R549H.
Identifiers: ClinVar variation 1777158 (VCV001777158.7), dbSNP rs551868924, ClinGen allele CA313851864.

ClinVar aggregate classification (germline): Uncertain significance. Review status: criteria provided, multiple submitters, no conflicts (2 of 4 stars). 3 submissions from 3 submitters: Uncertain significance (3). Last evaluated 2025-03-09.

Conditions:
Hypertrophic cardiomyopathy 1 (CMH1). Also called: Familial hypertrophic cardiomyopathy 1; MYH7-Related Familial Hypertrophic Cardiomyopathy. Identifiers: MedGen C3495498, MONDO:0008647, OMIM 192600.

Allele frequency attached by ClinVar (database versions not stated): gnomAD 0.00003; 1000 Genomes Project 0.00020; TOPMed 0.00001; 1000 Genomes Project 30x 0.00016.
gnomAD v4.1: 17 of 1,608,082 alleles (0.0011%); highest among the groups gnomAD compares: Middle Eastern, 0.017%; no homozygotes.

Submissions (3):

Labcorp Genetics (formerly Invitae), Labcorp
Classification: Uncertain significance for Hypertrophic cardiomyopathy 1. Last evaluated: 2025-03-09. Review status: criteria provided, single submitter. Criteria: Invitae Variant Classification Sherloc (09022015). Collection method: clinical testing. Allele origin: germline.
Comment: This sequence change replaces arginine, which is basic and polar, with histidine, which is basic and polar, at codon 549 of the MYLK2 protein (p.Arg549His). The frequency data for this variant in the population databases is considered unreliable, as metrics indicate poor data quality at this position in the gnomAD database. This variant has not been reported in the literature in individuals affected with MYLK2-related conditions. ClinVar contains an entry for this variant (Variation ID: 1777158). An algorithm developed to predict the effect of missense changes on protein structure and function (PolyPhen-2) suggests that this variant is likely to be disruptive. In summary, the available evidence is currently insufficient to determine the role of this variant in disease. Therefore, it has been classified as a Variant of Uncertain Significance.

Ambry Genetics
Classification: Uncertain significance. Last evaluated: 2024-05-12. Review status: criteria provided, single submitter. Criteria: Ambry Variant Classification Scheme 2023. Collection method: clinical testing. Allele origin: germline.
Comment: The p.R549H variant (also known as c.1646G>A), located in coding exon 11 of the MYLK2 gene, results from a G to A substitution at nucleotide position 1646. The arginine at codon 549 is replaced by histidine, an amino acid with highly similar properties. This amino acid position is conserved. In addition, this alteration is predicted to be tolerated by in silico analysis. Since supporting evidence is limited at this time, the clinical significance of this alteration remains unclear.

Breakthrough Genomics
Classification: Uncertain significance. Review status: criteria provided, single submitter. Criteria: ACMG Guidelines, 2015. Collection method: not provided. Allele origin: germline. Inheritance: Autosomal dominant inheritance. Affected: yes.